The following is an entry in ClinVar:

NM_000199.5(SGSH):c.250-2A>G

Gene: SGSH (N-sulfoglucosamine sulfohydrolase; minus strand). Cytogenetic location: 17q25.3.
Variant type: single nucleotide variant.
Coding change: c.250-2A>G on transcript NM_000199.5 (MANE Select); the canonical splice acceptor site of the intron before coding-DNA position 250, A replaced by G.
Molecular consequence: splice acceptor variant.
Genome position (GRCh38, 1-based): chr17:80,215,140, T>C on the plus strand (A>G on the coding strand, the complement: SGSH is on the minus strand). VCF-style: chr17-80215140-T-C. GRCh37 (hg19) VCF-style: chr17-78188939-T-C.
Other names: c.250-2A>G (NM_000199.4, NM_001352921.3, NM_001352922.2).
Identifiers: ClinVar variation 2138121 (VCV002138121.7), dbSNP rs745319635, ClinGen allele CA8818099.

ClinVar aggregate classification (germline): Pathogenic/Likely pathogenic. Review status: criteria provided, multiple submitters, no conflicts (2 of 4 stars). 4 submissions from 4 submitters: Pathogenic (1); Likely pathogenic (3). Last evaluated 2024-10-14.

Conditions:
Mucopolysaccharidosis, MPS-III-A (MPS3A). Also called: HEPARAN SULFATE SULFATASE DEFICIENCY; SANFILIPPO SYNDROME A; SULFAMIDASE DEFICIENCY; MPS III A; Mucopolysaccharidosis, type IIIA; MUCOPOLYSACCHARIDOSIS, TYPE IIIA, ATTENUATED. Identifiers: Orphanet 581, Orphanet 79269, MedGen C0086647, MONDO:0009655, OMIM 252900.
SGSH-related disorder. Also called: SGSH-related condition.

Allele frequency attached by ClinVar (database versions not stated): gnomAD 0.00002; gnomAD exomes 0.00001; ExAC 0.00003.
gnomAD v4.1: 16 of 1,609,820 alleles (0.00099%); highest among the groups gnomAD compares: Non-Finnish European, 0.00017%; no homozygotes.

Submissions (4):

Natera, Inc.
Classification: Pathogenic for Mucopolysaccharidosis type IIIA. Last evaluated: 2024-10-14. Review status: criteria provided, single submitter. Criteria: Natera Variant Classification Schema (03/2026). Collection method: clinical testing. Allele origin: germline.
Comment: The c.250-2A>G variant in SGSH is a canonical splice acceptor site variant predicted to affect pre-mRNA splicing, which may result in an abnormal transcript and altered protein product. This variant is expected to result in nonsense mediated decay, truncation, or a dysfunctional protein product. This variant is rare in the general population with a frequency below the threshold expected for the associated phenotype(s). This variant has been observed in one or more individuals affected with the associated recessive disease, as either homozygous or compound heterozygous with a second variant (PMID: 37787787, 9401012). Given the available evidence, this variant is classified as Pathogenic.

Fulgent Genetics
Classification: Likely pathogenic for Mucopolysaccharidosis, MPS-III-A. Last evaluated: 2024-01-05. Review status: criteria provided, single submitter. Criteria: ACMG Guidelines, 2015. Collection method: clinical testing. Allele origin: germline.

Labcorp Genetics (formerly Invitae), Labcorp
Classification: Likely pathogenic for Mucopolysaccharidosis, MPS-III-A. Last evaluated: 2023-03-02. Review status: criteria provided, single submitter. Criteria: Invitae Variant Classification Sherloc (09022015). Collection method: clinical testing. Allele origin: germline.
Comment: In summary, the currently available evidence indicates that the variant is pathogenic, but additional data are needed to prove that conclusively. Therefore, this variant has been classified as Likely Pathogenic. Algorithms developed to predict the effect of sequence changes on RNA splicing suggest that this variant may disrupt the consensus splice site. ClinVar contains an entry for this variant (Variation ID: 2138121). Disruption of this splice site has been observed in individual(s) with mucopolysaccharidosis type IIIA (PMID: 9401012). This variant is present in population databases (rs745319635, gnomAD 0.03%). This sequence change affects an acceptor splice site in intron 2 of the SGSH gene. It is expected to disrupt RNA splicing. Variants that disrupt the donor or acceptor splice site typically lead to a loss of protein function (PMID: 16199547), and loss-of-function variants in SGSH are known to be pathogenic (PMID: 11182930, 21204211, 22976768).

Blueprint Genetics
Classification: Likely pathogenic for SGSH-related disorders. Last evaluated: 2021-01-29. Review status: criteria provided, single submitter. Criteria: ACMG Guidelines, 2015. Collection method: clinical testing. Allele origin: germline. Affected: yes. Observed: 2 variant alleles.

Literature cited by the submitters: PubMed 37787787 (cited by Natera, Inc.); PubMed 9401012 (cited by Natera, Inc. and Labcorp Genetics (formerly Invitae), Labcorp); PubMed 16199547 (cited by Labcorp Genetics (formerly Invitae), Labcorp); PubMed 11182930 (cited by Labcorp Genetics (formerly Invitae), Labcorp); PubMed 21204211 (cited by Labcorp Genetics (formerly Invitae), Labcorp); PubMed 22976768 (cited by Labcorp Genetics (formerly Invitae), Labcorp).